The following is an entry in ClinVar:

NM_002163.4(IRF8):c.377C>T (p.Thr126Ile)

Gene: IRF8 (interferon regulatory factor 8; plus strand). Cytogenetic location: 16q24.1.
Variant type: single nucleotide variant.
Coding change: c.377C>T on transcript NM_002163.4 (MANE Select); coding-DNA position 377, C replaced by T.
Protein change: p.Thr126Ile; replaces threonine 126 with isoleucine.
Molecular consequence: missense variant. On other transcripts: 5 prime UTR variant (1).
Genome position (GRCh38, 1-based): chr16:85,911,588, C>T. VCF-style: chr16-85911588-C-T. GRCh37 (hg19) VCF-style: chr16-85945194-C-T.
Other names: c.407C>T, p.Thr136Ile (NM_001363907.1); c.-130C>T (NM_001363908.1); short protein forms T126I, T136I.
Identifiers: ClinVar variation 4976572 (VCV004976572.1).

ClinVar aggregate classification (germline): Uncertain significance (1 of 4 stars; one submission).

Submission:

GeneDx
Classification: Uncertain significance. Last evaluated: 2026-02-17. Review status: criteria provided, single submitter. Criteria: GeneDx Variant Classification Process June 2021. Collection method: clinical testing. Allele origin: germline.
Comment: Not observed at significant frequency in large population cohorts (gnomAD); In silico analysis suggests that this missense variant does not alter protein structure/function; Has not been previously published as pathogenic or benign to our knowledge.